The following is an entry in ClinVar:

ClinVar aggregate classification (germline): Conflicting classifications of pathogenicity. Review status: criteria provided, conflicting classifications (1 of 4 stars). 4 submissions from 4 submitters: Uncertain significance (2); Likely benign (2). Last evaluated 2026-07-31.

Conditions:
COQ7-related disorder. Also called: COQ7-related condition.

Allele frequency attached by ClinVar (database versions not stated): gnomAD exomes 0.00006 and 0.00021; ExAC 0.00023; 1000 Genomes Project 30x 0.00031; 1000 Genomes Project 0.00040; TOPMed 0.00072; gnomAD 0.00075 and 0.00082; ESP Exome Variant Server 0.00100.
gnomAD v4.1: 201 of 1,614,168 alleles (0.012%); highest among the groups gnomAD compares: African/African-American, 0.24%; 1 homozygote.

Submissions (4):

PreventionGenetics, part of Exact Sciences
Classification: Likely benign for COQ7-related condition. Last evaluated: 2026-07-31. Review status: criteria provided, single submitter. Criteria: ACMG Guidelines, 2015. Collection method: clinical testing. Allele origin: germline.
Comment: This variant is classified as likely benign based on ACMG/AMP sequence variant interpretation guidelines (Richards et al. 2015 PMID: 25741868, with internal and published modifications).

Labcorp Genetics (formerly Invitae), Labcorp
Classification: Likely benign. Last evaluated: 2025-09-03. Review status: criteria provided, single submitter. Criteria: Invitae Variant Classification Sherloc (09022015). Collection method: clinical testing. Allele origin: germline.

GeneDx
Classification: Uncertain significance. Last evaluated: 2025-01-04. Review status: criteria provided, single submitter. Criteria: GeneDx Variant Classification Process June 2021. Collection method: clinical testing. Allele origin: germline. Affected: yes.
Comment: In silico analysis supports that this missense variant has a deleterious effect on protein structure/function; Has not been previously published as pathogenic or benign to our knowledge; This variant is associated with the following publications: (PMID: 36552517)

Mayo Clinic Laboratories, Mayo Clinic
Classification: Uncertain significance. Last evaluated: 2023-07-05. Review status: criteria provided, single submitter. Criteria: ACMG Guidelines, 2015. Collection method: clinical testing. Allele origin: germline. Observed: 1 variant allele.
Comment: BP4, PM2_moderate

NM_016138.5(COQ7):c.193C>T (p.Arg65Cys)

Gene: COQ7 (coenzyme Q7, hydroxylase; plus strand). Cytogenetic location: 16p12.3.
Variant type: single nucleotide variant.
Coding change: c.193C>T on transcript NM_016138.5 (MANE Select); coding-DNA position 193, C replaced by T.
Protein change: p.Arg65Cys; replaces arginine 65 with cysteine.
Molecular consequence: missense variant. On other transcripts: non-coding transcript variant (3).
Genome position (GRCh38, 1-based): chr16:19,072,047, C>T. VCF-style: chr16-19072047-C-T. GRCh37 (hg19) VCF-style: chr16-19083369-C-T.
Other names: p.Arg65Cys; c.79C>T, p.Arg27Cys (NM_001190983.2, NM_001370492.1, NM_001370493.1 and 2 more transcripts); c.151C>T, p.Arg51Cys (NM_001370489.1, NM_001370491.1); c.193C>T, p.Arg65Cys (NM_001370490.1); c.193C>T (NM_016138.4); short protein forms R51C, R65C, R27C.
Identifiers: ClinVar variation 1460625 (VCV001460625.11), dbSNP rs140688283, ClinGen allele CA7932909.